The following is an entry in ClinVar:

ClinVar aggregate classification (germline): Likely benign. Review status: criteria provided, multiple submitters, no conflicts (2 of 4 stars). 6 submissions from 6 submitters: Likely benign (4). 2 of the submissions do not count toward it. Last evaluated 2025-11-17.

Conditions:
Aicardi-Goutieres syndrome 6 (AGS6). Identifiers: Orphanet 51, MedGen C3539013, MONDO:0014007, OMIM 615010.
Symmetrical dyschromatosis of extremities (DSH). Also called: SYMMETRIC DYSCHROMATOSIS OF THE EXTREMITIES; DYSCHROMATOSIS SYMMETRICA HEREDITARIA 1; RETICULATE ACROPIGMENTATION OF DOHI; Dyschromatosis symmetrica hereditaria. Identifiers: Orphanet 41, MedGen C0406775, MONDO:0007483, OMIM 127400.

Allele frequency attached by ClinVar (database versions not stated): ExAC 0.00010; TOPMed 0.00010; gnomAD 0.00013 and 0.00014; gnomAD exomes 0.00013 and 0.00038; ESP Exome Variant Server 0.00038.
gnomAD v4.1: 568 of 1,614,070 alleles (0.035%); highest among the groups gnomAD compares: Non-Finnish European, 0.047%; no homozygotes.

Submissions (6):

Labcorp Genetics (formerly Invitae), Labcorp
Classification: Likely benign for Aicardi-Goutieres syndrome 6; Symmetrical dyschromatosis of extremities. Last evaluated: 2025-11-17. Review status: criteria provided, single submitter. Criteria: Invitae Variant Classification Sherloc (09022015). Collection method: clinical testing. Allele origin: germline.

Blueprint Genetics
Classification: Likely benign. Last evaluated: 2024-11-04. Review status: criteria provided, single submitter. Criteria: ACMG Guidelines, 2015. Collection method: clinical testing. Allele origin: germline.

Genome-Nilou Lab
Classification: Likely benign for Aicardi-Goutieres syndrome 6. Last evaluated: 2023-04-11. Review status: criteria provided, single submitter. Criteria: ACMG Guidelines, 2015. Collection method: clinical testing. Allele origin: germline. Affected: no.

Illumina Laboratory Services, Illumina
Classification: Likely benign for Symmetrical dyschromatosis of extremities. Last evaluated: 2018-01-13. Review status: criteria provided, single submitter. Criteria: ICSL Variant Classification Criteria 13 December 2019. Collection method: clinical testing. Allele origin: germline.
Comment: This variant was observed in the ICSL laboratory as part of a predisposition screen in an ostensibly healthy population. It had not been previously curated by ICSL or reported in the Human Gene Mutation Database (HGMD: prior to June 1st, 2018), and was therefore a candidate for classification through an automated scoring system. Utilizing variant allele frequency, disease prevalence and penetrance estimates, and inheritance mode, an automated score was calculated to assess if this variant is too frequent to cause the disease. Based on the score and internal cut-off values, a variant classified as likely benign is not then subjected to further curation. The score for this variant resulted in a classification of likely benign for this disease.

Clinical Genetics DNA and cytogenetics Diagnostics Lab, Erasmus MC, Erasmus Medical Center
Classification: Likely benign. Review status: no assertion criteria provided. Collection method: clinical testing. Allele origin: germline. Affected: yes. Study: VKGL Data-share Consensus. Not counted in ClinVar's aggregate classification.

Diagnostic Laboratory, Department of Genetics, University Medical Center Groningen
Classification: Likely benign. Review status: no assertion criteria provided. Collection method: clinical testing. Allele origin: germline. Affected: yes. Study: VKGL Data-share Consensus. Not counted in ClinVar's aggregate classification.

NM_001111.5(ADAR):c.1725C>T (p.Ala575=)

Gene: ADAR (adenosine deaminase RNA specific; minus strand). Cytogenetic location: 1q21.3.
Variant type: single nucleotide variant.
Coding change: c.1725C>T on transcript NM_001111.5 (MANE Select); coding-DNA position 1725, C replaced by T.
Protein change: p.Ala575=; no amino-acid change (alanine 575 retained).
Molecular consequence: synonymous variant.
Genome position (GRCh38, 1-based): chr1:154,598,462, G>A on the plus strand (C>T on the coding strand, the complement: ADAR is on the minus strand). VCF-style: chr1-154598462-G-A. GRCh37 (hg19) VCF-style: chr1-154570938-G-A.
Other names: c.840C>T, p.Ala280= (NM_001025107.3, NM_001193495.2, NM_001365046.1 and 3 more transcripts); c.1752C>T, p.Ala584= (NM_001365045.1); c.1725C>T, p.Ala575= (NM_015840.4, NM_015841.4, LRG_1212t1).
Identifiers: ClinVar variation 540269 (VCV000540269.19), dbSNP rs144279106, ClinGen allele CA1131494.